The following is an entry in ClinVar:

NM_006031.6(PCNT):c.4921T>C (p.Leu1641=)

Gene: PCNT (pericentrin; plus strand). Cytogenetic location: 21q22.3.
Variant type: single nucleotide variant.
Coding change: c.4921T>C on transcript NM_006031.6 (MANE Select); coding-DNA position 4921, T replaced by C.
Protein change: p.Leu1641=; no amino-acid change (leucine 1641 retained).
Molecular consequence: synonymous variant.
Genome position (GRCh38, 1-based): chr21:46,401,680, T>C. VCF-style: chr21-46401680-T-C. GRCh37 (hg19) VCF-style: chr21-47821594-T-C.
Other names: c.4567T>C, p.Leu1523= (NM_001315529.2).
Identifiers: ClinVar variation 4993484 (VCV004993484.1).

ClinVar aggregate classification (germline): Likely benign (1 of 4 stars; one submission).

Conditions:
PCNT-related disorder. Also called: PCNT-related condition.

Submission:

PreventionGenetics, part of Exact Sciences
Classification: Likely benign for PCNT-related condition. Last evaluated: 2025-12-03. Review status: criteria provided, single submitter. Criteria: ACMG Guidelines, 2015. Collection method: clinical testing. Allele origin: germline.
Comment: This variant is classified as likely benign based on ACMG/AMP sequence variant interpretation guidelines (Richards et al. 2015 PMID: 25741868, with internal and published modifications).